The following is an entry in ClinVar:

ClinVar aggregate classification (germline): Uncertain significance (1 of 4 stars; one submission).

Conditions:
Primary ciliary dyskinesia. Also called: Ciliary dyskinesia. Identifiers: Orphanet 244, MedGen C0008780, MONDO:0016575, HP:0012265.

Allele frequency attached by ClinVar (database versions not stated): TOPMed below 0.00001; ExAC 0.00001; gnomAD exomes 0.00001.
gnomAD v4.1: 7 of 1,613,934 alleles (0.00043%); highest among the groups gnomAD compares: Middle Eastern, 0.017%; no homozygotes.

Submission:

Ambry Genetics
Classification: Uncertain significance for Primary ciliary dyskinesia. Last evaluated: 2024-02-16. Review status: criteria provided, single submitter. Criteria: Ambry Variant Classification Scheme 2023. Collection method: clinical testing. Allele origin: germline.
Comment: The p.G797S variant (also known as c.2389G>A), located in coding exon 15 of the ARMC4 gene, results from a G to A substitution at nucleotide position 2389. The glycine at codon 797 is replaced by serine, an amino acid with similar properties. This amino acid position is conserved. In addition, this alteration is predicted to be tolerated by in silico analysis. Based on the available evidence, the clinical significance of this alteration remains unclear.

NM_018076.5(ODAD2):c.2389G>A (p.Gly797Ser)

Gene: ODAD2 (outer dynein arm docking complex subunit 2; minus strand). Cytogenetic location: 10p12.1.
Variant type: single nucleotide variant.
Coding change: c.2389G>A on transcript NM_018076.5 (MANE Select); coding-DNA position 2389, G replaced by A.
Protein change: p.Gly797Ser; replaces glycine 797 with serine.
Molecular consequence: missense variant.
Genome position (GRCh38, 1-based): chr10:27,935,116, C>T on the plus strand (G>A on the coding strand, the complement: ODAD2 is on the minus strand). VCF-style: chr10-27935116-C-T. GRCh37 (hg19) VCF-style: chr10-28224045-C-T.
Other names: c.2389G>A, p.Gly797Ser (NM_001290020.2); c.964G>A, p.Gly322Ser (NM_001290021.2); c.1465G>A, p.Gly489Ser (NM_001312689.2); short protein forms G322S, G489S, G797S.
Identifiers: ClinVar variation 3227116 (VCV003227116.1), dbSNP rs780057616, ClinGen allele CA5453217.